The following is an entry in ClinVar:

NM_000093.5(COL5A1):c.2715G>T (p.Lys905Asn)

Gene: COL5A1 (collagen type V alpha 1 chain; plus strand). Cytogenetic location: 9q34.3.
Variant type: single nucleotide variant.
Coding change: c.2715G>T on transcript NM_000093.5 (MANE Select); coding-DNA position 2715, G replaced by T.
Protein change: p.Lys905Asn; replaces lysine 905 with asparagine.
Molecular consequence: missense variant.
Genome position (GRCh38, 1-based): chr9:134,795,096, G>T. VCF-style: chr9-134795096-G-T. GRCh37 (hg19) VCF-style: chr9-137686942-G-T.
Other names: c.2715G>T, p.Lys905Asn (NM_001278074.1); short protein forms K905N.
Identifiers: ClinVar variation 969227 (VCV000969227.11), dbSNP rs533217850, ClinGen allele CA375456480.

ClinVar aggregate classification (germline): Uncertain significance (1 of 4 stars; one submission).

Conditions:
Ehlers-Danlos syndrome, classic type, 1 (EDSCL1). Also called: EHLERS-DANLOS SYNDROME, GRAVIS TYPE; EHLERS-DANLOS SYNDROME, SEVERE CLASSIC TYPE; EDS I; Ehlers-Danlos Syndrome, Classic Type, COL5A1-Related; Ehlers-Danlos syndrome, type 1. Identifiers: MedGen C0268335, MONDO:0019567, OMIM 130000.

gnomAD v4.1: 1 of 1,614,086 alleles (0.000062%); highest among the groups gnomAD compares: South Asian, 0.0011%; no homozygotes.

Submission:

Labcorp Genetics (formerly Invitae), Labcorp
Classification: Uncertain significance for Ehlers-Danlos syndrome, classic type, 1. Last evaluated: 2019-10-15. Review status: criteria provided, single submitter. Criteria: Invitae Variant Classification Sherloc (09022015). Collection method: clinical testing. Allele origin: germline.
Comment: In summary, the available evidence is currently insufficient to determine the role of this variant in disease. Therefore, it has been classified as a Variant of Uncertain Significance. Algorithms developed to predict the effect of missense changes on protein structure and function are either unavailable or do not agree on the potential impact of this missense change (SIFT: "Deleterious"; PolyPhen-2: "Not Available"; Align-GVGD: "Class C0"). This variant is not present in population databases (ExAC no frequency). This sequence change replaces lysine with asparagine at codon 905 of the COL5A1 protein (p.Lys905Asn). The lysine residue is highly conserved and there is a moderate physicochemical difference between lysine and asparagine.